The following is an entry in ClinVar:

ClinVar aggregate classification (germline): Uncertain significance (1 of 4 stars; one submission).

Conditions:
Inborn genetic diseases. Identifiers: MedGen C0950123, MeSH D030342.

Submission:

Ambry Genetics
Classification: Uncertain significance for Inborn genetic diseases. Last evaluated: 2026-03-19. Review status: criteria provided, single submitter. Criteria: Ambry Variant Classification Scheme 2023. Collection method: clinical testing. Allele origin: germline.
Comment: The p.M185T variant (also known as c.554T>C), located in coding exon 4 of the SLC17A5 gene, results from a T to C substitution at nucleotide position 554. The methionine at codon 185 is replaced by threonine, an amino acid with similar properties. This amino acid position is conserved. In addition, this alteration is predicted to be deleterious by in silico analysis. Based on the available evidence, the clinical significance of this variant remains unclear.

NM_012434.5(SLC17A5):c.554T>C (p.Met185Thr)

Gene: SLC17A5 (solute carrier family 17 member 5; minus strand). Cytogenetic location: 6q13.
Variant type: single nucleotide variant.
Coding change: c.554T>C on transcript NM_012434.5 (MANE Select); coding-DNA position 554, T replaced by C.
Protein change: p.Met185Thr; replaces methionine 185 with threonine.
Molecular consequence: missense variant.
Genome position (GRCh38, 1-based): chr6:73,638,471, A>G on the plus strand (T>C on the coding strand, the complement: SLC17A5 is on the minus strand). VCF-style: chr6-73638471-A-G. GRCh37 (hg19) VCF-style: chr6-74348194-A-G.
Other names: c.323T>C, p.Met108Thr (NM_001382636.1, NM_001382629.1); c.554T>C, p.Met185Thr (NM_001382630.1, NM_001382632.1, NM_001382633.1 and 2 more transcripts); c.575T>C, p.Met192Thr (NM_001382631.1); short protein forms M108T, M185T, M192T.
Identifiers: ClinVar variation 4864559 (VCV004864559.1).